The following is an entry in ClinVar:

ClinVar aggregate classification (germline): Uncertain significance (1 of 4 stars; one submission).

Submission:

Labcorp Genetics (formerly Invitae), Labcorp
Classification: Uncertain significance. Last evaluated: 2022-07-12. Review status: criteria provided, single submitter. Criteria: Invitae Variant Classification Sherloc (09022015). Collection method: clinical testing. Allele origin: germline.
Comment: In summary, the available evidence is currently insufficient to determine the role of this variant in disease. Therefore, it has been classified as a Variant of Uncertain Significance. This sequence change replaces glycine, which is neutral and non-polar, with serine, which is neutral and polar, at codon 3014 of the UNC80 protein (p.Gly3014Ser). This variant is not present in population databases (gnomAD no frequency). This variant has not been reported in the literature in individuals affected with UNC80-related conditions. ClinVar contains an entry for this variant (Variation ID: 1384476). Algorithms developed to predict the effect of missense changes on protein structure and function are either unavailable or do not agree on the potential impact of this missense change (SIFT: "Not Available"; PolyPhen-2: "Possibly Damaging"; Align-GVGD: "Not Available"). Algorithms developed to predict the effect of sequence changes on RNA splicing suggest that this variant may disrupt the consensus splice site.

NM_001371986.1(UNC80):c.9238G>A (p.Gly3080Ser)

Gene: UNC80 (unc-80 subunit of NALCN channel complex; plus strand). Cytogenetic location: 2q34.
Variant type: single nucleotide variant.
Coding change: c.9238G>A on transcript NM_001371986.1 (MANE Select); coding-DNA position 9238, G replaced by A.
Protein change: p.Gly3080Ser; replaces glycine 3080 with serine.
Molecular consequence: missense variant.
Genome position (GRCh38, 1-based): chr2:209,982,298, G>A. VCF-style: chr2-209982298-G-A. GRCh37 (hg19) VCF-style: chr2-210847022-G-A.
Other names: c.9040G>A, p.Gly3014Ser (NM_032504.2); c.9025G>A, p.Gly3009Ser (NM_182587.4); short protein forms G3080S, G3009S, G3014S.
Identifiers: ClinVar variation 1384476 (VCV001384476.8), dbSNP rs2125023131, ClinGen allele CA350415042.